The following is an entry in ClinVar:

NM_006440.5(TXNRD2):c.450-292C>T

Gene: TXNRD2 (thioredoxin reductase 2; minus strand). Cytogenetic location: 22q11.21.
Variant type: single nucleotide variant.
Coding change: c.450-292C>T on transcript NM_006440.5 (MANE Select); 292 bases into the intron before coding-DNA position 450, C replaced by T.
Molecular consequence: intron variant.
Genome position (GRCh38, 1-based): chr22:19,916,135, G>A on the plus strand (C>T on the coding strand, the complement: TXNRD2 is on the minus strand). VCF-style: chr22-19916135-G-A. GRCh37 (hg19) VCF-style: chr22-19903658-G-A.
Other names: c.447-292C>T (NM_001352300.2); c.162-292C>T (NM_001352302.2); c.360-292C>T (NM_001352301.2); c.450-292C>T (NM_001282512.3); c.354-292C>T (NM_001352303.2).
Identifiers: ClinVar variation 669006 (VCV000669006.2), dbSNP rs115268335, ClinGen allele CA322105245.

ClinVar aggregate classification (germline): Benign. Review status: criteria provided, multiple submitters, no conflicts (2 of 4 stars). 2 submissions from 2 submitters: Benign (2). Last evaluated 2018-06-19.

Allele frequency attached by ClinVar (database versions not stated): gnomAD exomes 0.00410; 1000 Genomes Project 0.02975; gnomAD 0.03269 and 0.03523; 1000 Genomes Project 30x 0.03279; TOPMed 0.03657.
gnomAD v4.1: 5,979 of 401,220 alleles (1.5%); highest among the groups gnomAD compares: African/African-American, 11%; 332 homozygotes.

Submissions (2):

GeneDx
Classification: Benign. Last evaluated: 2018-06-19. Review status: criteria provided, single submitter. Criteria: GeneDx Variant Classification (06012015). Collection method: clinical testing. Allele origin: germline. Affected: yes.
Comment: This variant is considered likely benign or benign based on one or more of the following criteria: it is a conservative change, it occurs at a poorly conserved position in the protein, it is predicted to be benign by multiple in silico algorithms, and/or has population frequency not consistent with disease.

Breakthrough Genomics
Classification: Benign. Review status: criteria provided, single submitter. Criteria: ACMG Guidelines, 2015. Collection method: not provided. Allele origin: germline. Inheritance: Autosomal recessive inheritance. Affected: yes.